The following is an entry in ClinVar:

ClinVar aggregate classification (germline): Pathogenic. Review status: criteria provided, multiple submitters, no conflicts (2 of 4 stars). 2 submissions from 2 submitters: Pathogenic (2). Last evaluated 2025-09-11.

Conditions:
Hereditary cancer-predisposing syndrome. Also called: Hereditary Cancer Syndrome; Neoplastic Syndromes, Hereditary; Tumor predisposition; Hereditary neoplastic syndrome. Identifiers: Orphanet 140162, MedGen C0027672, MeSH D009386, MONDO:0015356.
Ataxia-telangiectasia syndrome (AT). Also called: Ataxia-telangiectasia, complementation group D; AT, COMPLEMENTATION GROUP C; ATAXIA-TELANGIECTASIA, COMPLEMENTATION GROUP A; ATAXIA-TELANGIECTASIA, FRESNO VARIANT; Ataxia-telangiectasia; LOUIS-BAR SYNDROME. Identifiers: Orphanet 100, MedGen C0004135, MONDO:0008840, OMIM 208900.

Submissions (2):

Ambry Genetics
Classification: Pathogenic for Hereditary cancer-predisposing syndrome. Last evaluated: 2025-09-11. Review status: criteria provided, single submitter. Criteria: Ambry Variant Classification Scheme 2023. Collection method: clinical testing. Allele origin: germline.
Comment: The c.3895delG pathogenic mutation, located in coding exon 25 of the ATM gene, results from a deletion of one nucleotide at nucleotide position 3895, causing a translational frameshift with a predicted alternate stop codon (p.A1299Pfs*50). This variant is considered to be rare based on population cohorts in the Genome Aggregation Database (gnomAD). This alteration is expected to result in loss of function by premature protein truncation or nonsense-mediated mRNA decay. As such, this alteration is interpreted as a disease-causing mutation.

Labcorp Genetics (formerly Invitae), Labcorp
Classification: Pathogenic for Ataxia-telangiectasia syndrome. Last evaluated: 2022-12-03. Review status: criteria provided, single submitter. Criteria: Invitae Variant Classification Sherloc (09022015). Collection method: clinical testing. Allele origin: germline.
Comment: ClinVar contains an entry for this variant (Variation ID: 187138). This premature translational stop signal has been observed in individual(s) with clinical features of ATM-related conditions (PMID: 32888943). This variant is not present in population databases (gnomAD no frequency). This sequence change creates a premature translational stop signal (p.Ala1299Profs*50) in the ATM gene. It is expected to result in an absent or disrupted protein product. Loss-of-function variants in ATM are known to be pathogenic (PMID: 23807571, 25614872). For these reasons, this variant has been classified as Pathogenic.

Literature cited by the submitters: PubMed 32888943 (cited by Labcorp Genetics (formerly Invitae), Labcorp); PubMed 23807571 (cited by Labcorp Genetics (formerly Invitae), Labcorp); PubMed 25614872 (cited by Labcorp Genetics (formerly Invitae), Labcorp).

NM_000051.4(ATM):c.3895del (p.Ala1299fs)

Gene: ATM (ATM serine/threonine kinase; plus strand). Cytogenetic location: 11q22.3.
Variant type: Deletion.
Coding change: c.3895del on transcript NM_000051.4 (MANE Select); coding-DNA position 3895, one base deleted (G; older notation c.3895delG).
Protein change: p.Ala1299fs; shifts the reading frame from alanine 1299.
Molecular consequence: frameshift variant.
Genome position (GRCh38, 1-based): chr11:108,284,375, G deleted. VCF-style (leftmost placement, unchanged base first): chr11-108284374-TG-T. GRCh37 (hg19) VCF-style: chr11-108155101-TG-T.
Other names: c.3895delG (NM_000051.3); c.3895del, p.Ala1299fs (NM_001351834.2); short protein forms A1299fs.
Identifiers: ClinVar variation 187138 (VCV000187138.9), dbSNP rs786203501, ClinGen allele CA196828.
Genomic context (GRCh38, chr11:108,284,374, plus strand): 5'-CTGGAAAAGTCTTCTAACAGACTGCTTTCCAAAGATTCTTGTAAATATTCTTCCTTATTT[TG>T]CCTATGAGGGTACCAGAGACAGTGGGATGGCACAGCAAAGAGAGACTGCTACCAAGGTCT-3'